The following is an entry in ClinVar:

ClinVar aggregate classification (germline): Uncertain significance (1 of 4 stars; one submission).

Submission:

Labcorp Genetics (formerly Invitae), Labcorp
Classification: Uncertain significance. Last evaluated: 2025-07-20. Review status: criteria provided, single submitter. Criteria: Invitae Variant Classification Sherloc (09022015). Collection method: clinical testing. Allele origin: germline.
Comment: This sequence change replaces leucine, which is neutral and non-polar, with phenylalanine, which is neutral and non-polar, at codon 204 of the POC5 protein (p.Leu204Phe). This variant is not present in population databases (gnomAD no frequency). This variant has not been reported in the literature in individuals affected with POC5-related conditions. An algorithm developed to predict the effect of missense changes on protein structure and function (PolyPhen-2) suggests that this variant is likely to be tolerated. In summary, the available evidence is currently insufficient to determine the role of this variant in disease. Therefore, it has been classified as a Variant of Uncertain Significance.

NM_001099271.2(POC5):c.612A>C (p.Leu204Phe)

Gene: POC5 (POC5 centriolar protein; minus strand). Cytogenetic location: 5q13.3.
Variant type: single nucleotide variant.
Coding change: c.612A>C on transcript NM_001099271.2 (MANE Select); coding-DNA position 612, A replaced by C.
Protein change: p.Leu204Phe; replaces leucine 204 with phenylalanine.
Molecular consequence: missense variant.
Genome position (GRCh38, 1-based): chr5:75,694,733, T>G on the plus strand (A>C on the coding strand, the complement: POC5 is on the minus strand). VCF-style: chr5-75694733-T-G. GRCh37 (hg19) VCF-style: chr5-74990558-T-G.
Other names: c.537A>C, p.Leu179Phe (NM_152408.3); short protein forms L179F, L204F.
Identifiers: ClinVar variation 4723579 (VCV004723579.1).